The following is an entry in ClinVar:

NM_000038.6(APC):c.136-4684C>T

Gene: APC (APC regulator of WNT signaling pathway; plus strand). Cytogenetic location: 5q22.2.
Variant type: single nucleotide variant.
Coding change: c.136-4684C>T on transcript NM_000038.6 (MANE Select); 4684 bases into the intron before coding-DNA position 136, C replaced by T.
Molecular consequence: intron variant.
Genome position (GRCh38, 1-based): chr5:112,761,642, C>T. VCF-style: chr5-112761642-C-T. GRCh37 (hg19) VCF-style: chr5-112097339-C-T.
Other names: c.136-4684C>T (NM_001354895.2, NM_001127510.3, NM_001354896.2 and 2 more transcripts); c.166-4684C>T (NM_001354897.2, NM_001354902.2, NM_001127511.3); c.61-4684C>T (NM_001354898.2, NM_001354904.2); c.-900-4684C>T (NM_001354906.2); c.-42-4684C>T (NM_001354900.2, NM_001354901.2, NM_001354905.2).
Identifiers: ClinVar variation 82841 (VCV000082841.2), dbSNP rs80317562, ClinGen allele CA004764.

ClinVar aggregate classification (germline): other (0 of 4 stars; one submission).

Conditions:
Familial colorectal cancer. Identifiers: MedGen CN280943, MONDO:0023113. Disease mechanism: loss of function.

Submission:

Systems Biology Platform Zhejiang California International NanoSystems Institute
Classification: other for Familial colorectal cancer. Review status: no assertion criteria provided. Collection method: not provided. Allele origin: unknown.
ClinVar note: Converted during submission from cancer to other.